The following is an entry in ClinVar:

NM_006060.6(IKZF1):c.606del (p.Lys202fs)

Gene: IKZF1 (IKAROS family zinc finger 1; plus strand). Cytogenetic location: 7p12.2.
Variant type: Deletion.
Coding change: c.606del on transcript NM_006060.6 (MANE Select); coding-DNA position 606, one base deleted (A; older notation c.606delA).
Protein change: p.Lys202fs; shifts the reading frame from lysine 202.
Molecular consequence: frameshift variant. On other transcripts: intron variant (9).
Genome position (GRCh38, 1-based): chr7:50,387,361, A deleted; the last of 3 consecutive A bases (chr7:50,387,359-50,387,361); deleting any one gives the same sequence. VCF-style (leftmost placement, unchanged base first): chr7-50387358-CA-C. GRCh37 (hg19) VCF-style: chr7-50455056-CA-C.
Other names: c.345del, p.Lys115fs (NM_001220767.2, NM_001291838.2); c.177del, p.Lys59fs (NM_001291841.1, NM_001291842.1); c.666del, p.Lys222fs (NM_001410879.1); c.329-4368del (NM_001291839.2, NM_001220770.2); c.590-4368del (NM_001220765.3, NM_001291837.2); c.589+4654del (NM_001220768.2); c.421+10568del (NM_001220771.2); c.161-4368del (NM_001291843.1, NM_001291844.1); and 1 more; short protein forms K202fs, K115fs, K222fs, K59fs.
Identifiers: ClinVar variation 4731704 (VCV004731704.1).

ClinVar aggregate classification (germline): Uncertain significance (1 of 4 stars; one submission).

Submission:

Labcorp Genetics (formerly Invitae), Labcorp
Classification: Uncertain significance. Last evaluated: 2026-01-13. Review status: criteria provided, single submitter. Criteria: Invitae Variant Classification Sherloc (09022015). Collection method: clinical testing. Allele origin: germline.
Comment: This sequence change creates a premature translational stop signal (p.Lys202Asnfs*15) in the IKZF1 gene. It is expected to result in an absent or disrupted protein product. However, the current clinical and genetic evidence is not sufficient to establish whether loss-of-function variants in IKZF1 cause disease. This variant is not present in population databases (gnomAD no frequency). This variant has not been reported in the literature in individuals affected with IKZF1-related conditions. In summary, the available evidence is currently insufficient to determine the role of this variant in disease. Therefore, it has been classified as a Variant of Uncertain Significance.